The following is an entry in ClinVar:

NM_020320.5(RARS2):c.583C>T (p.Gln195Ter)

Gene: RARS2 (arginyl-tRNA synthetase 2, mitochondrial; minus strand). Cytogenetic location: 6q15.
Variant type: single nucleotide variant.
Coding change: c.583C>T on transcript NM_020320.5 (MANE Select); coding-DNA position 583, C replaced by T.
Protein change: p.Gln195Ter; replaces glutamine 195 with a stop codon.
Molecular consequence: nonsense. On other transcripts: non-coding transcript variant (18).
Genome position (GRCh38, 1-based): chr6:87,541,947, G>A on the plus strand (C>T on the coding strand, the complement: RARS2 is on the minus strand). VCF-style: chr6-87541947-G-A. GRCh37 (hg19) VCF-style: chr6-88251665-G-A.
Other names: c.58C>T, p.Gln20Ter (NM_001318785.2, NM_001350506.2, NM_001350507.2 and 4 more transcripts); c.583C>T, p.Gln195Ter (NM_001350505.2); short protein forms Q195*, Q20*.
Identifiers: ClinVar variation 3012420 (VCV003012420.3), dbSNP rs1057165128, ClinGen allele CA142859844.
Genomic context (GRCh38, chr6:87,541,947, plus strand): 5'-AAATTTTTGAAATGTTTTCTTGCCAACTTACTTCAAAGAGATGCTGTAGAGGATTGGACT[G>A]CAGTTTTTCCTCATAGCCAAACAGCTGGAAGCCAGTTCCCAGAAGACCTACCATGATAAT-3'

ClinVar aggregate classification (germline): Pathogenic (1 of 4 stars; one submission).

Submission:

Labcorp Genetics (formerly Invitae), Labcorp
Classification: Pathogenic. Last evaluated: 2023-05-31. Review status: criteria provided, single submitter. Criteria: Invitae Variant Classification Sherloc (09022015). Collection method: clinical testing. Allele origin: germline.
Comment: For these reasons, this variant has been classified as Pathogenic. Algorithms developed to predict the effect of sequence changes on RNA splicing suggest that this variant may disrupt the consensus splice site. This variant has not been reported in the literature in individuals affected with RARS2-related conditions. This variant is not present in population databases (gnomAD no frequency). This sequence change creates a premature translational stop signal (p.Gln195*) in the RARS2 gene. It is expected to result in an absent or disrupted protein product. Loss-of-function variants in RARS2 are known to be pathogenic (PMID: 17847012, 22569581, 26083569).

Literature cited by the submitters: PubMed 17847012; PubMed 22569581; PubMed 26083569.